The following is an entry in ClinVar:

NM_001163629.2(MROH9):c.706C>A (p.Gln236Lys)

Gene: MROH9 (maestro heat like repeat family member 9; plus strand). Cytogenetic location: 1q24.3.
Variant type: single nucleotide variant.
Coding change: c.706C>A on transcript NM_001163629.2 (MANE Select); coding-DNA position 706, C replaced by A.
Protein change: p.Gln236Lys; replaces glutamine 236 with lysine.
Molecular consequence: missense variant.
Genome position (GRCh38, 1-based): chr1:170,983,511, C>A. VCF-style: chr1-170983511-C-A. GRCh37 (hg19) VCF-style: chr1-170952652-C-A.
Other names: c.706C>A, p.Gln236Lys (NM_025063.4); short protein forms Q236K.
Identifiers: ClinVar variation 2639546 (VCV002639546.24), dbSNP rs112394419, ClinGen allele CA1239966.
Genomic context (GRCh38, chr1:170,983,511, plus strand): 5'-AAAAGTCATAGCCTCCAGTTTCCTTCTTCTGATGTAGAATTTCTACCCAAGGAGTTTCAA[C>A]AAGACGAAAGTAAAATAGCTCAGGTAACTTAGCCCCCACTTTTTCCGAGGGCTTTTGTTT-3'
Protein context (NP_001157101.1, residues 226-246): DVEFLPKEFQ[Gln236Lys]DESKIAQRVG

ClinVar aggregate classification (germline): Likely benign (1 of 4 stars; one submission).

Allele frequency attached by ClinVar (database versions not stated): 1000 Genomes Project 30x 0.00265; 1000 Genomes Project 0.00280; TOPMed 0.00570; ExAC 0.00634; gnomAD 0.00643; ESP Exome Variant Server 0.00671; gnomAD exomes 0.00883.
gnomAD v4.1: 13,729 of 1,611,656 alleles (0.85%); highest among the groups gnomAD compares: Non-Finnish European, 1%; 74 homozygotes.

Submission:

CeGaT Center for Human Genetics Tuebingen
Classification: Likely benign. Last evaluated: 2022-12-01. Review status: criteria provided, single submitter. Criteria: CeGaT Center For Human Genetics Tuebingen Variant Classification Criteria Version 2. Collection method: clinical testing. Allele origin: germline. Affected: yes. Observed: 1 variant allele.
Comment: MROH9: BP4, BS2